The following is an entry in ClinVar:

ClinVar aggregate classification (germline): Benign. Review status: criteria provided, multiple submitters, no conflicts (2 of 4 stars). 3 submissions from 3 submitters: Benign (2). 1 of the submissions does not count toward it. Last evaluated 2018-05-18.

Conditions:
ATP13A4-related disorder. Also called: ATP13A4-related condition.

Allele frequency attached by ClinVar (database versions not stated): gnomAD exomes 0.00045; ExAC 0.00055; TOPMed 0.00181; gnomAD 0.00183; ESP Exome Variant Server 0.00192; 1000 Genomes Project 0.00200; 1000 Genomes Project 30x 0.00203.
gnomAD v4.1: 540 of 1,614,122 alleles (0.033%); highest among the groups gnomAD compares: African/African-American, 0.59%; 1 homozygote.

Submissions (3):

Labcorp Genetics (formerly Invitae), Labcorp
Classification: Benign. Last evaluated: 2018-05-18. Review status: criteria provided, single submitter. Criteria: Invitae Variant Classification Sherloc (09022015). Collection method: clinical testing. Allele origin: germline.

Breakthrough Genomics
Classification: Benign. Review status: criteria provided, single submitter. Criteria: ACMG Guidelines, 2015. Collection method: not provided. Allele origin: germline. Inheritance: Unknown mechanism. Affected: yes.

PreventionGenetics, part of Exact Sciences
Classification: Likely benign for ATP13A4-related condition. Last evaluated: 2019-08-08. Review status: no assertion criteria provided. Collection method: clinical testing. Allele origin: germline. Not counted in ClinVar's aggregate classification.
Comment: This variant is classified as likely benign based on ACMG/AMP sequence variant interpretation guidelines (Richards et al. 2015 PMID: 25741868, with internal and published modifications).

NM_032279.4(ATP13A4):c.1089C>T (p.Thr363=)

Gene: ATP13A4 (ATPase 13A4; minus strand). Cytogenetic location: 3q29.
Variant type: single nucleotide variant.
Coding change: c.1089C>T on transcript NM_032279.4 (MANE Select); coding-DNA position 1089, C replaced by T.
Protein change: p.Thr363=; no amino-acid change (threonine 363 retained).
Molecular consequence: synonymous variant.
Genome position (GRCh38, 1-based): chr3:193,467,341, G>A on the plus strand (C>T on the coding strand, the complement: ATP13A4 is on the minus strand). VCF-style: chr3-193467341-G-A. GRCh37 (hg19) VCF-style: chr3-193185130-G-A.
Identifiers: ClinVar variation 785078 (VCV000785078.6), dbSNP rs148851166, ClinGen allele CA2758518.